The following is an entry in ClinVar:

NM_003738.5(PTCH2):c.1465G>A (p.Glu489Lys)

Gene: PTCH2 (patched 2; minus strand). Cytogenetic location: 1p34.1.
Variant type: single nucleotide variant.
Coding change: c.1465G>A on transcript NM_003738.5 (MANE Select); coding-DNA position 1465, G replaced by A.
Protein change: p.Glu489Lys; replaces glutamic acid 489 with lysine.
Molecular consequence: missense variant.
Genome position (GRCh38, 1-based): chr1:44,828,631, C>T on the plus strand (G>A on the coding strand, the complement: PTCH2 is on the minus strand). VCF-style: chr1-44828631-C-T. GRCh37 (hg19) VCF-style: chr1-45294303-C-T.
Other names: c.1465G>A, p.Glu489Lys (NM_001166292.2); short protein forms E489K.
Identifiers: ClinVar variation 3707762 (VCV003707762.2).
Genomic context (GRCh38, chr1:44,828,631, plus strand): 5'-TGTTGATGGATGTGAGTACGACACTGGTGCCCGTGCGCTGCAGACACTCGCCCATGCGCT[C>T]CTGCCAGGACAGAGTGGGGACCTGCCCTCAGGTCACAAGGGAGGGGCCGTGTCAAAGTGG-3'
Protein context (NP_003729.3, residues 479-499): TEALPGTPLQ[Glu489Lys]RMGECLQRTG

ClinVar aggregate classification (germline): Uncertain significance (1 of 4 stars; one submission).

Conditions:
Gorlin syndrome. Also called: Nevoid Basal Cell Carcinoma Syndrome; Basal cell nevus syndrome. Identifiers: Orphanet 377, MedGen C0004779, MONDO:0007187.

gnomAD v4.1: 11 of 1,611,612 alleles (0.00068%); highest among the groups gnomAD compares: African/African-American, 0.015%; no homozygotes.

Submission:

Labcorp Genetics (formerly Invitae), Labcorp
Classification: Uncertain significance for Gorlin syndrome. Last evaluated: 2024-05-20. Review status: criteria provided, single submitter. Criteria: Invitae Variant Classification Sherloc (09022015). Collection method: clinical testing. Allele origin: germline.
Comment: This sequence change replaces glutamic acid, which is acidic and polar, with lysine, which is basic and polar, at codon 489 of the PTCH2 protein (p.Glu489Lys). This variant is present in population databases (rs374595059, gnomAD 0.007%). This variant has not been reported in the literature in individuals affected with PTCH2-related conditions. An algorithm developed to predict the effect of missense changes on protein structure and function (PolyPhen-2) suggests that this variant is likely to be tolerated. Algorithms developed to predict the effect of sequence changes on RNA splicing suggest that this variant may create or strengthen a splice site. In summary, the available evidence is currently insufficient to determine the role of this variant in disease. Therefore, it has been classified as a Variant of Uncertain Significance.